The following is an entry in ClinVar:

NM_001457.4(FLNB):c.6666C>T (p.Gly2222=)

Gene: FLNB (filamin B; plus strand). Cytogenetic location: 3p14.3.
Variant type: single nucleotide variant.
Coding change: c.6666C>T on transcript NM_001457.4 (MANE Select); coding-DNA position 6666, C replaced by T.
Protein change: p.Gly2222=; no amino-acid change (glycine 2222 retained).
Molecular consequence: synonymous variant.
Genome position (GRCh38, 1-based): chr3:58,154,822, C>T. VCF-style: chr3-58154822-C-T. GRCh37 (hg19) VCF-style: chr3-58140549-C-T.
Other names: c.6759C>T, p.Gly2253= (NM_001164317.2); c.6633C>T, p.Gly2211= (NM_001164318.2); c.6594C>T, p.Gly2198= (NM_001164319.2).
Identifiers: ClinVar variation 511449 (VCV000511449.14), dbSNP rs144628013, ClinGen allele CA2469460.
Genomic context (GRCh38, chr3:58,154,822, plus strand): 5'-TCACTAACCAGGTTTCTCTTTGCTCTCAGCTGAGTTCAGCATTTGGACCCGGGAAGCAGG[C>T]GCTGGAGGCCTCTCCATCGCTGTTGAGGGCCCCAGTAAGGCCGAGATTACATTCGATGAC-3'
Protein context (NP_001448.2, residues 2212-2232): AEFSIWTREA[Gly2222=]AGGLSIAVEG

ClinVar aggregate classification (germline): Conflicting classifications of pathogenicity. Review status: criteria provided, conflicting classifications (1 of 4 stars). 5 submissions from 5 submitters: Uncertain significance (1); Likely benign (4). Last evaluated 2026-06-22.

Conditions:
FLNB-Related Spectrum Disorders.
FLNB-related disorder. Also called: FLNB-related condition; FLNB-related disorders. Identifiers: MedGen CN381095.

Allele frequency attached by ClinVar (database versions not stated): TOPMed 0.00006; gnomAD 0.00007 and 0.00008; ESP Exome Variant Server 0.00008; ExAC 0.00010; 1000 Genomes Project 0.00020; 1000 Genomes Project 30x 0.00031.
gnomAD v4.1: 161 of 1,613,988 alleles (0.01%); highest among the groups gnomAD compares: Non-Finnish European, 0.013%; no homozygotes.

Submissions (5):

PreventionGenetics, part of Exact Sciences
Classification: Likely benign for FLNB-related condition. Last evaluated: 2026-06-22. Review status: criteria provided, single submitter. Criteria: ACMG Guidelines, 2015. Collection method: clinical testing. Allele origin: germline.
Comment: This variant is classified as likely benign based on ACMG/AMP sequence variant interpretation guidelines (Richards et al. 2015 PMID: 25741868, with internal and published modifications).

Labcorp Genetics (formerly Invitae), Labcorp
Classification: Likely benign. Last evaluated: 2026-01-24. Review status: criteria provided, single submitter. Criteria: Invitae Variant Classification Sherloc (09022015). Collection method: clinical testing. Allele origin: germline.

Blueprint Genetics
Classification: Likely benign. Last evaluated: 2024-10-16. Review status: criteria provided, single submitter. Criteria: ACMG Guidelines, 2015. Collection method: clinical testing. Allele origin: germline.

Illumina Laboratory Services, Illumina
Classification: Uncertain significance for FLNB-Related Spectrum Disorders. Last evaluated: 2018-01-12. Review status: criteria provided, single submitter. Criteria: ICSL Variant Classification Criteria 13 December 2019. Collection method: clinical testing. Allele origin: germline.

GeneDx
Classification: Likely benign. Last evaluated: 2017-08-10. Review status: criteria provided, single submitter. Criteria: GeneDx Variant Classification (06012015). Collection method: clinical testing. Allele origin: germline. Affected: yes.
Comment: This variant is considered likely benign or benign based on one or more of the following criteria: it is a conservative change, it occurs at a poorly conserved position in the protein, it is predicted to be benign by multiple in silico algorithms, and/or has population frequency not consistent with disease.